The following is an entry in ClinVar:

ClinVar aggregate classification (germline): Uncertain significance (1 of 4 stars; one submission).

Submission:

Dasa
Classification: Uncertain significance. Last evaluated: 2024-12-17. Review status: criteria provided, single submitter. Criteria: DASA Assertion Criteria. Collection method: clinical testing. Allele origin: germline.
Comment: NM_170606.3(KMT2C):c.10861G>C (p.Ala3621Pro) is a missense variant that results in the substitution of alanine with proline. This variant is absent from population databases. Computational prediction algorithms are consistent with a benign effect. The currently available literature and clinical evidence are not sufficient to establish a definitive association between this variant and the reported condition. Therefore, this variant is classified as a variant of uncertain significance.

NM_170606.3(KMT2C):c.10861G>C (p.Ala3621Pro)

Gene: KMT2C (lysine methyltransferase 2C; minus strand). Cytogenetic location: 7q36.1.
Variant type: single nucleotide variant.
Coding change: c.10861G>C on transcript NM_170606.3 (MANE Select); coding-DNA position 10861, G replaced by C.
Protein change: p.Ala3621Pro; replaces alanine 3621 with proline.
Molecular consequence: missense variant.
Genome position (GRCh38, 1-based): chr7:152,162,716, C>G on the plus strand (G>C on the coding strand, the complement: KMT2C is on the minus strand). VCF-style: chr7-152162716-C-G. GRCh37 (hg19) VCF-style: chr7-151859801-C-G.
Other names: short protein forms A3621P.
Identifiers: ClinVar variation 4881284 (VCV004881284.2).